The following is an entry in ClinVar:

NM_006031.6(PCNT):c.8939A>G (p.Gln2980Arg)

Gene: PCNT (pericentrin; plus strand). Cytogenetic location: 21q22.3.
Variant type: single nucleotide variant.
Coding change: c.8939A>G on transcript NM_006031.6 (MANE Select); coding-DNA position 8939, A replaced by G.
Protein change: p.Gln2980Arg; replaces glutamine 2980 with arginine.
Molecular consequence: missense variant.
Genome position (GRCh38, 1-based): chr21:46,436,091, A>G. VCF-style: chr21-46436091-A-G. GRCh37 (hg19) VCF-style: chr21-47856004-A-G.
Other names: c.8348A>G, p.Gln2783Arg (NM_001315529.2); c.8939A>G (NM_006031.5); short protein forms Q2783R, Q2980R.
Identifiers: ClinVar variation 2190854 (VCV002190854.6), dbSNP rs1336466622, ClinGen allele CA410575195.

ClinVar aggregate classification (germline): Uncertain significance. Review status: criteria provided, multiple submitters, no conflicts (2 of 4 stars). 2 submissions from 2 submitters: Uncertain significance (2). Last evaluated 2025-08-07.

Conditions:
Inborn genetic diseases. Identifiers: MedGen C0950123, MeSH D030342.

Allele frequency attached by ClinVar (database versions not stated): gnomAD exomes below 0.00001; gnomAD 0.00001; TOPMed 0.00002.
gnomAD v4.1: 3 of 1,612,068 alleles (0.00019%); highest among the groups gnomAD compares: Admixed American, 0.005%; no homozygotes.

Submissions (2):

Ambry Genetics
Classification: Uncertain significance for Inborn genetic diseases. Last evaluated: 2025-08-07. Review status: criteria provided, single submitter. Criteria: Ambry Variant Classification Scheme 2023. Collection method: clinical testing. Allele origin: germline.

Labcorp Genetics (formerly Invitae), Labcorp
Classification: Uncertain significance. Last evaluated: 2022-02-18. Review status: criteria provided, single submitter. Criteria: Invitae Variant Classification Sherloc (09022015). Collection method: clinical testing. Allele origin: germline.
Comment: In summary, the available evidence is currently insufficient to determine the role of this variant in disease. Therefore, it has been classified as a Variant of Uncertain Significance. Algorithms developed to predict the effect of missense changes on protein structure and function output the following: SIFT: "Deleterious"; PolyPhen-2: "Benign"; Align-GVGD: "Class C0". The arginine amino acid residue is found in multiple mammalian species, which suggests that this missense change does not adversely affect protein function. This variant has not been reported in the literature in individuals affected with PCNT-related conditions. This variant is present in population databases (no rsID available, gnomAD no frequency). This sequence change replaces glutamine, which is neutral and polar, with arginine, which is basic and polar, at codon 2980 of the PCNT protein (p.Gln2980Arg).